The following is an entry in ClinVar:

NM_001267550.2(TTN):c.53581+1G>A

Genes: TTN (titin; minus strand), TTN-AS1 (TTN antisense RNA 1; plus strand). Cytogenetic location: 2q31.2.
Variant type: single nucleotide variant.
Coding change: c.53581+1G>A on transcript NM_001267550.2 (MANE Select); the canonical splice donor site of the intron after coding-DNA position 53581, G replaced by A.
Molecular consequence: splice donor variant.
Genome position (GRCh38, 1-based): chr2:178,607,020, C>T on the plus strand (G>A on the coding strand, the complement: TTN is on the minus strand). VCF-style: chr2-178607020-C-T. GRCh37 (hg19) VCF-style: chr2-179471747-C-T.
Other names: c.26386+1G>A (NM_003319.4); c.26962+1G>A (NM_133437.4); c.26761+1G>A (NM_133432.3); c.45877+1G>A (NM_133378.4); c.48658+1G>A (NM_001256850.1).
Identifiers: ClinVar variation 5006148 (VCV005006148.2).
Genomic context (GRCh38, chr2:178,607,020, plus strand): 5'-TAAATAATATAACTAGAAGCAAAACATTACTCTATAAACACAATGAAACCTTCTCTTTTA[C>T]CTAGTGGATCAACTGCAAGAATTGGTCCTATTTCAACAGGAGGGCCACAGCCAAACTTGT-3'

ClinVar aggregate classification (germline): Uncertain significance (1 of 4 stars; one submission).

Conditions:
Hypertrophic cardiomyopathy 9. Also called: Familial hypertrophic cardiomyopathy 9. Identifiers: MedGen C1861065, MONDO:0013412, OMIM 613765.
Myopathy, myofibrillar, 9, with early respiratory failure (MFM9). Also called: Hereditary myopathy with early respiratory failure; EDSTROM MYOPATHY; MYOPATHY, PROXIMAL, WITH EARLY RESPIRATORY MUSCLE INVOLVEMENT; Myopathy, distal, with early respiratory failure, autosomal dominant. Identifiers: Orphanet 178464, Orphanet 34521, MedGen C1863599, MONDO:0011362, OMIM 603689.
Early-onset myopathy with fatal cardiomyopathy (CMYO5). Also called: CONGENITAL MYOPATHY 5 WITH CARDIOMYOPATHY; Salih Myopathy. Identifiers: Orphanet 289377, MedGen C2673677, MONDO:0012714, OMIM 611705. Disease mechanism: loss of function.
Autosomal recessive limb-girdle muscular dystrophy type 2J (LGMDR10). Also called: Limb-girdle muscular dystrophy, type 2J; MUSCULAR DYSTROPHY, LIMB-GIRDLE, AUTOSOMAL RECESSIVE 10. Identifiers: Orphanet 140922, MedGen C1837342, MONDO:0012127, OMIM 608807.
Dilated cardiomyopathy 1G (CMD1G). Identifiers: Orphanet 154, MedGen C1858763, MONDO:0011400, OMIM 604145.
Tibial muscular dystrophy (TMD). Also called: UDD MYOPATHY; Udd Distal Myopathy – Tibial Muscular Dystrophy; Tibial muscular dystrophy, tardive. Identifiers: Orphanet 609, MedGen C1838244, MONDO:0010870, OMIM 600334.

Submission:

Juno Genomics, Hangzhou Juno Genomics, Inc
Classification: Uncertain significance for Early-onset myopathy with fatal cardiomyopathy; Dilated cardiomyopathy 1G; Hypertrophic cardiomyopathy 9; Autosomal recessive limb-girdle muscular dystrophy type 2J; Myopathy, myofibrillar, 9, with early respiratory failure; Tibial muscular dystrophy. Review status: criteria provided, single submitter. Criteria: ACMG Guidelines, 2015. Collection method: clinical testing. Allele origin: germline.
Comment: Absent from controls (or at extremely low frequency if recessive) in Genome Aggregation Database.;Null variant in a gene where loss of function (LOF) is a known mechanism of disease.